The following is an entry in ClinVar:

ClinVar aggregate classification (germline): Uncertain significance (1 of 4 stars; one submission).

Conditions:
Microcephaly, normal intelligence and immunodeficiency (NBS). Also called: IMMUNODEFICIENCY, MICROCEPHALY, AND CHROMOSOMAL INSTABILITY; Ataxia telangiectasia variant V1; SEEMANOVA SYNDROME II; BERLIN BREAKAGE SYNDROME; Immunodeficiency, microcephaly with normal intelligence; Nijmegen breakage syndrome. Identifiers: Orphanet 647, MedGen C0398791, MONDO:0009623, OMIM 251260.

Allele frequency attached by ClinVar (database versions not stated): gnomAD exomes below 0.00001.
gnomAD v4.1: 1 of 1,613,584 alleles (0.000062%); highest among the groups gnomAD compares: South Asian, 0.0011%; no homozygotes.

Submission:

Labcorp Genetics (formerly Invitae), Labcorp
Classification: Uncertain significance for Microcephaly, normal intelligence and immunodeficiency. Last evaluated: 2022-07-20. Review status: criteria provided, single submitter. Criteria: Invitae Variant Classification Sherloc (09022015). Collection method: clinical testing. Allele origin: germline.
Comment: In summary, the available evidence is currently insufficient to determine the role of this variant in disease. Therefore, it has been classified as a Variant of Uncertain Significance. Algorithms developed to predict the effect of missense changes on protein structure and function (SIFT, PolyPhen-2, Align-GVGD) all suggest that this variant is likely to be tolerated. This sequence change replaces asparagine, which is neutral and polar, with serine, which is neutral and polar, at codon 71 of the NBN protein (p.Asn71Ser). This variant is not present in population databases (gnomAD no frequency). This variant has not been reported in the literature in individuals affected with NBN-related conditions.

NM_002485.5(NBN):c.212A>G (p.Asn71Ser)

Gene: NBN (nibrin; minus strand). Cytogenetic location: 8q21.3.
Variant type: single nucleotide variant.
Coding change: c.212A>G on transcript NM_002485.5 (MANE Select); coding-DNA position 212, A replaced by G.
Protein change: p.Asn71Ser; replaces asparagine 71 with serine.
Molecular consequence: missense variant. On other transcripts: 5 prime UTR variant (1).
Genome position (GRCh38, 1-based): chr8:89,981,483, T>C on the plus strand (A>G on the coding strand, the complement: NBN is on the minus strand). VCF-style: chr8-89981483-T-C. GRCh37 (hg19) VCF-style: chr8-90993711-T-C.
Other names: c.-35A>G (NM_001024688.3); short protein forms N71S.
Identifiers: ClinVar variation 2135288 (VCV002135288.4), dbSNP rs2488361276, ClinGen allele CA371662559.
Genomic context (GRCh38, chr8:89,981,483, plus strand): 5'-AAAGTTCGGGAAAAGCCATTCTGCATTTTTTCCTCATTAACAAAGGTACCATACTTAGAA[T>C]TATCTTTTAATGTCAATACAGGGATTTCATCTGTTTGACTCTGAAAAGTTAGCAAATAAT-3'
Protein context (NP_002476.2, residues 61-81): DEIPVLTLKD[Asn71Ser]SKYGTFVNEE